The following is an entry in ClinVar:

ClinVar aggregate classification (germline): Uncertain significance (1 of 4 stars; one submission).

Conditions:
Hereditary cancer-predisposing syndrome. Also called: Tumor predisposition; Hereditary neoplastic syndrome; Hereditary Cancer Syndrome; Neoplastic Syndromes, Hereditary. Identifiers: Orphanet 140162, MedGen C0027672, MeSH D009386, MONDO:0015356.

Submission:

Labcorp Genetics (formerly Invitae), Labcorp
Classification: Uncertain significance for Hereditary cancer-predisposing syndrome. Last evaluated: 2019-09-02. Review status: criteria provided, single submitter. Criteria: Invitae Variant Classification Sherloc (09022015). Collection method: clinical testing. Allele origin: germline.
Comment: In summary, the available evidence is currently insufficient to determine the role of this variant in disease. Therefore, it has been classified as a Variant of Uncertain Significance. Algorithms developed to predict the effect of missense changes on protein structure and function (SIFT, PolyPhen-2, Align-GVGD) all suggest that this variant is likely to be tolerated, but these predictions have not been confirmed by published functional studies and their clinical significance is uncertain. This variant has not been reported in the literature in individuals with RAD50-related conditions. This variant is not present in population databases (ExAC no frequency). This sequence change replaces serine with leucine at codon 584 of the RAD50 protein (p.Ser584Leu). The serine residue is moderately conserved and there is a large physicochemical difference between serine and leucine.

NM_005732.4(RAD50):c.1751C>T (p.Ser584Leu)

Gene: RAD50 (RAD50 double strand break repair protein; plus strand). Cytogenetic location: 5q31.1.
Variant type: single nucleotide variant.
Coding change: c.1751C>T on transcript NM_005732.4 (MANE Select); coding-DNA position 1751, C replaced by T.
Protein change: p.Ser584Leu; replaces serine 584 with leucine.
Molecular consequence: missense variant.
Genome position (GRCh38, 1-based): chr5:132,591,992, C>T. VCF-style: chr5-132591992-C-T. GRCh37 (hg19) VCF-style: chr5-131927684-C-T.
Other names: short protein forms S584L.
Identifiers: ClinVar variation 937898 (VCV000937898.10), dbSNP rs1750710114, ClinGen allele CA360946641.